The following is an entry in ClinVar:

NM_001349253.2(SCN11A):c.4550A>C (p.Asn1517Thr)

Gene: SCN11A (sodium voltage-gated channel alpha subunit 11; minus strand). Cytogenetic location: 3p22.2.
Variant type: single nucleotide variant.
Coding change: c.4550A>C on transcript NM_001349253.2 (MANE Select); coding-DNA position 4550, A replaced by C.
Protein change: p.Asn1517Thr; replaces asparagine 1517 with threonine.
Molecular consequence: missense variant.
Genome position (GRCh38, 1-based): chr3:38,847,520, T>G on the plus strand (A>C on the coding strand, the complement: SCN11A is on the minus strand). VCF-style: chr3-38847520-T-G. GRCh37 (hg19) VCF-style: chr3-38889011-T-G.
Other names: c.4550A>C, p.Asn1517Thr (NM_014139.3); short protein forms N1517T.
Identifiers: ClinVar variation 1922641 (VCV001922641.5), dbSNP rs2064693644, ClinGen allele CA352163461.

ClinVar aggregate classification (germline): Uncertain significance (1 of 4 stars; one submission).

Conditions:
Hereditary sensory and autonomic neuropathy type 7. Also called: Neuropathy, hereditary sensory and autonomic, type VII; HSAN VII. Identifiers: Orphanet 391397, MedGen C3809882, MONDO:0014244, OMIM 615548.
Familial episodic pain syndrome with predominantly lower limb involvement. Also called: Episodic pain syndrome, familial, 3. Identifiers: Orphanet 391384, Orphanet 391392, MedGen C3809899, MONDO:0014247, OMIM 615552.

Allele frequency attached by ClinVar (database versions not stated): gnomAD 0.00001; gnomAD exomes 0.00001.

Submission:

Labcorp Genetics (formerly Invitae), Labcorp
Classification: Uncertain significance for Familial episodic pain syndrome with predominantly lower limb involvement; Hereditary sensory and autonomic neuropathy type 7. Last evaluated: 2022-10-11. Review status: criteria provided, single submitter. Criteria: Invitae Variant Classification Sherloc (09022015). Collection method: clinical testing. Allele origin: germline.
Comment: This variant has not been reported in the literature in individuals affected with SCN11A-related conditions. In summary, the available evidence is currently insufficient to determine the role of this variant in disease. Therefore, it has been classified as a Variant of Uncertain Significance. Advanced modeling of protein sequence and biophysical properties (such as structural, functional, and spatial information, amino acid conservation, physicochemical variation, residue mobility, and thermodynamic stability) performed at Invitae indicates that this missense variant is not expected to disrupt SCN11A protein function. This variant is not present in population databases (gnomAD no frequency). This sequence change replaces asparagine, which is neutral and polar, with threonine, which is neutral and polar, at codon 1517 of the SCN11A protein (p.Asn1517Thr).